The following is an entry in ClinVar:

ClinVar aggregate classification (germline): Uncertain significance. Review status: criteria provided, multiple submitters, no conflicts (2 of 4 stars). 4 submissions from 4 submitters: Uncertain significance (4). Last evaluated 2025-01-16.

Conditions:
Inborn genetic diseases. Identifiers: MedGen C0950123, MeSH D030342.
Muscular dystrophy-dystroglycanopathy (congenital with brain and eye anomalies), type A9. Also called: WALKER-WARBURG SYNDROME OR MUSCLE-EYE BRAIN DISEASE, DAG1-RELATED; Muscular dystrophy-dystroglycanopathy (congenital with brain and eye anomalies), type a, 9. Identifiers: Orphanet 370997, Orphanet 899, MedGen C4225291, MONDO:0014683, OMIM 616538.
Autosomal recessive limb-girdle muscular dystrophy type 2P. Also called: MUSCULAR DYSTROPHY-DYSTROGLYCANOPATHY, LIMB-GIRDLE, DAG1-RELATED; Limb-Girdle Muscular Dystrophy Type 9C; MUSCULAR DYSTROPHY, LIMB-GIRDLE, TYPE 2P. Identifiers: Orphanet 280333, MedGen C4511963, MONDO:0013440, OMIM 613818.

Allele frequency attached by ClinVar (database versions not stated): gnomAD exomes below 0.00001; ExAC 0.00001; gnomAD 0.00002 and 0.00003; TOPMed 0.00003.
gnomAD v4.1: 13 of 1,614,114 alleles (0.00081%); highest among the groups gnomAD compares: African/African-American, 0.0053%; no homozygotes.

Submissions (4):

Ambry Genetics
Classification: Uncertain significance for Inborn genetic diseases. Last evaluated: 2025-01-16. Review status: criteria provided, single submitter. Criteria: Ambry Variant Classification Scheme 2023. Collection method: clinical testing. Allele origin: germline.

Labcorp Genetics (formerly Invitae), Labcorp
Classification: Uncertain significance for Autosomal recessive limb-girdle muscular dystrophy type 2P; Muscular dystrophy-dystroglycanopathy (congenital with brain and eye anomalies), type A9. Last evaluated: 2022-07-25. Review status: criteria provided, single submitter. Criteria: Invitae Variant Classification Sherloc (09022015). Collection method: clinical testing. Allele origin: germline.
Comment: This sequence change replaces glycine, which is neutral and non-polar, with arginine, which is basic and polar, at codon 142 of the DAG1 protein (p.Gly142Arg). This variant is present in population databases (rs749962207, gnomAD 0.004%). This variant has not been reported in the literature in individuals affected with DAG1-related conditions. ClinVar contains an entry for this variant (Variation ID: 539128). Algorithms developed to predict the effect of missense changes on protein structure and function are either unavailable or do not agree on the potential impact of this missense change (SIFT: "Tolerated"; PolyPhen-2: "Probably Damaging"; Align-GVGD: "Class C0"). Algorithms developed to predict the effect of sequence changes on RNA splicing suggest that this variant may create or strengthen a splice site. In summary, the available evidence is currently insufficient to determine the role of this variant in disease. Therefore, it has been classified as a Variant of Uncertain Significance.

Revvity Omics, Revvity
Classification: Uncertain significance. Last evaluated: 2022-03-09. Review status: criteria provided, single submitter. Criteria: ACMG Guidelines, 2015. Collection method: clinical testing. Allele origin: germline.

Fulgent Genetics
Classification: Uncertain significance for Autosomal recessive limb-girdle muscular dystrophy type 2P; Muscular dystrophy-dystroglycanopathy (congenital with brain and eye anomalies), type A9. Last evaluated: 2018-10-31. Review status: criteria provided, single submitter. Criteria: ACMG Guidelines, 2015. Collection method: clinical testing. Allele origin: unknown.

NM_004393.6(DAG1):c.424G>A (p.Gly142Arg)

Gene: DAG1 (dystroglycan 1; plus strand). Cytogenetic location: 3p21.31.
Variant type: single nucleotide variant.
Coding change: c.424G>A on transcript NM_004393.6 (MANE Select); coding-DNA position 424, G replaced by A.
Protein change: p.Gly142Arg; replaces glycine 142 with arginine.
Molecular consequence: missense variant.
Genome position (GRCh38, 1-based): chr3:49,530,935, G>A. VCF-style: chr3-49530935-G-A. GRCh37 (hg19) VCF-style: chr3-49568368-G-A.
Other names: c.424G>A, p.Gly142Arg (NM_001165928.4, NM_001177634.3, NM_001177635.3 and 9 more transcripts); c.424G>A (NM_004393.4); short protein forms G142R.
Identifiers: ClinVar variation 539128 (VCV000539128.9), dbSNP rs749962207, ClinGen allele CA2398905.